The following is an entry in ClinVar:

NM_005908.4(MANBA):c.210_213delinsTCTGTAGTTAAGAGACCCATCTG (p.Arg71delinsLeuTer)

Gene: MANBA (mannosidase beta; minus strand). Cytogenetic location: 4q24.
Variant type: Indel.
Coding change: c.210_213delinsTCTGTAGTTAAGAGACCCATCTG on transcript NM_005908.4 (MANE Select); coding-DNA positions 210 to 213, CAGA replaced by TCTGTAGTTAAGAGACCCATCTG.
Protein change: p.Arg71delinsLeuTer.
Molecular consequence: nonsense.
Genome position (GRCh38, 1-based): chr4:102,726,648-102,726,651, TCTG replaced by CAGATGGGTCTCTTAACTACAGA on the plus strand (CAGA replaced by TCTGTAGTTAAGAGACCCATCTG on the coding strand, the reverse complement: MANBA is on the minus strand). VCF-style: chr4-102726648-TCTG-CAGATGGGTCTCTTAACTACAGA. GRCh37 (hg19) VCF-style: chr4-103647805-TCTG-CAGATGGGTCTCTTAACTACAGA.
Identifiers: ClinVar variation 2630933 (VCV002630933.2), dbSNP rs2476919187, ClinGen allele CA2695198507.

ClinVar aggregate classification (germline): Likely pathogenic. Review status: criteria provided, multiple submitters, no conflicts (2 of 4 stars). 2 submissions from 2 submitters: Likely pathogenic (2). Last evaluated 2024-05-13.

Conditions:
Beta-D-mannosidosis (MANSB). Also called: MANNOSIDOSIS, BETA A, LYSOSOMAL; BETA-MANNOSIDASE DEFICIENCY; LYSOSOMAL BETA-MANNOSIDASE DEFICIENCY; Beta-Mannosidosis. Identifiers: Orphanet 118, MedGen C4048196, MONDO:0009562, OMIM 248510.
MANBA-related disorder. Also called: MANBA-related condition.

Submissions (2):

Fulgent Genetics
Classification: Likely pathogenic for Beta-D-mannosidosis. Last evaluated: 2024-05-13. Review status: criteria provided, single submitter. Criteria: ACMG Guidelines, 2015. Collection method: clinical testing. Allele origin: germline.

PreventionGenetics, part of Exact Sciences
Classification: Likely pathogenic for MANBA-related condition. Last evaluated: 2023-08-18. Review status: criteria provided, single submitter. Criteria: ACMG Guidelines, 2015. Collection method: clinical testing. Allele origin: germline.
Comment: The MANBA c.210_213delinsTCTGTAGTTAAGAGACCCATCTG variant is predicted to result in a frameshift and premature protein termination (p.Arg71Leufs*2). To our knowledge, this variant has not been reported in the literature or in a large population database, indicating this variant is rare. Frameshift variants in MANBA are expected to be pathogenic. This variant is interpreted as likely pathogenic.